The following is an entry in ClinVar:

NM_001384474.1(LOXHD1):c.6071C>T (p.Thr2024Met)

Gene: LOXHD1 (lipoxygenase homology PLAT domains 1; minus strand). Cytogenetic location: 18q21.1.
Variant type: single nucleotide variant.
Coding change: c.6071C>T on transcript NM_001384474.1 (MANE Select); coding-DNA position 6071, C replaced by T.
Protein change: p.Thr2024Met; replaces threonine 2024 with methionine.
Molecular consequence: missense variant.
Genome position (GRCh38, 1-based): chr18:46,485,130, G>A on the plus strand (C>T on the coding strand, the complement: LOXHD1 is on the minus strand). VCF-style: chr18-46485130-G-A. GRCh37 (hg19) VCF-style: chr18-44065093-G-A.
Other names: c.5885C>T, p.Thr1962Met (NM_144612.7); c.2738C>T, p.Thr913Met (NM_001145472.3); c.788C>T, p.Thr263Met (NM_001145473.3, NM_001173129.2); c.2450C>T, p.Thr817Met (NM_001308013.2); short protein forms T1962M, T913M, T263M, T817M, T2024M.
Identifiers: ClinVar variation 286754 (VCV000286754.13), dbSNP rs369043488, ClinGen allele CA8952093.

ClinVar aggregate classification (germline): Conflicting classifications of pathogenicity. Review status: criteria provided, conflicting classifications (1 of 4 stars). 8 submissions from 8 submitters: Pathogenic (1); Likely pathogenic (3); Uncertain significance (3). 1 of the submissions does not count toward it. Last evaluated 2025-11-28.

Conditions:
LOXHD1-related disorder. Also called: LOXHD1-related condition.
Autosomal recessive nonsyndromic hearing loss 77. Identifiers: Orphanet 90636, MedGen C2746083, MONDO:0013119, OMIM 613079.

Allele frequency attached by ClinVar (database versions not stated): gnomAD 0.00007 and 0.00008; TOPMed 0.00009; ESP Exome Variant Server 0.00066; gnomAD exomes 0.00001; ExAC 0.00004.
gnomAD v4.1: 23 of 1,549,542 alleles (0.0015%); highest among the groups gnomAD compares: African/African-American, 0.019%; no homozygotes.

Submissions (8):

Natera, Inc.
Classification: Likely pathogenic for Autosomal recessive deafness type 77. Last evaluated: 2025-11-28. Review status: criteria provided, single submitter. Criteria: Natera Variant Classification Schema (03/2026). Collection method: clinical testing. Allele origin: germline.
Comment: The c.5885C>T variant in LOXHD1 is a missense variant predicted to cause substitution of threonine to methionine at amino acid 1962. This variant is rare in the general population with a frequency below the threshold expected for the associated phenotype(s). This variant has been observed in one or more individuals affected with the associated recessive disease, as either homozygous or compound heterozygous with a second variant (PMID: 28000701, 31547530, 36568381). Computational prediction algorithms indicate this variant is likely to affect gene or protein function. Given the available evidence, this variant is classified as Likely Pathogenic.

GeneDx
Classification: Likely pathogenic. Last evaluated: 2025-02-07. Review status: criteria provided, single submitter. Criteria: GeneDx Variant Classification Process June 2021. Collection method: clinical testing. Allele origin: germline.
Comment: In silico analysis supports that this missense variant has a deleterious effect on protein structure/function; This variant is associated with the following publications: (PMID: 34599366, 28000701, 29676012, 32149082, 31547530, 30760222)

Labcorp Genetics (formerly Invitae), Labcorp
Classification: Uncertain significance. Last evaluated: 2024-11-04. Review status: criteria provided, single submitter. Criteria: Invitae Variant Classification Sherloc (09022015). Collection method: clinical testing. Allele origin: germline.
Comment: This sequence change replaces threonine, which is neutral and polar, with methionine, which is neutral and non-polar, at codon 1962 of the LOXHD1 protein (p.Thr1962Met). The frequency data for this variant in the population databases is considered unreliable, as metrics indicate poor data quality at this position in the gnomAD database. This missense change has been observed in individual(s) with deafness (PMID: 28000701, 31547530). In at least one individual the data is consistent with being in trans (on the opposite chromosome) from a pathogenic variant. ClinVar contains an entry for this variant (Variation ID: 286754). An algorithm developed to predict the effect of missense changes on protein structure and function (PolyPhen-2) suggests that this variant is likely to be disruptive. In summary, the available evidence is currently insufficient to determine the role of this variant in disease. Therefore, it has been classified as a Variant of Uncertain Significance.

Blueprint Genetics
Classification: Pathogenic for LOXHD1-related disorders. Last evaluated: 2024-09-11. Review status: criteria provided, single submitter. Criteria: ACMG Guidelines, 2015. Collection method: clinical testing. Allele origin: germline. Affected: yes. Observed: 3 variant alleles.

Women's Health and Genetics/Laboratory Corporation of America, LabCorp
Classification: Uncertain significance. Last evaluated: 2023-04-04. Review status: criteria provided, single submitter. Criteria: LabCorp Variant Classification Summary - May 2015. Collection method: clinical testing. Allele origin: germline.
Comment: Variant summary: LOXHD1 c.5885C>T (p.Thr1962Met) results in a non-conservative amino acid change to a highly conserved residue in the encoded protein sequence. Five of five in-silico tools predict a damaging effect of the variant on protein function. The variant allele was found at a frequency of 1.3e-05 in 158356 control chromosomes. c.5885C>T has been reported in the literature in compound heterozygous individuals affected with Nonsyndromic Hearing Loss And Deafness (Zazo Seco_2017, Wesdorp_2018, Maekawa_2019), with one having a known pathogenic variant in trans. These data indicate that the variant may be associated with disease. To our knowledge, no experimental evidence demonstrating an impact on protein function has been reported. Two submitters have provided clinical-significance assessments for this variant to ClinVar after 2014 without evidence for independent evaluation, and classified the variant as uncertain significance. Based on the evidence outlined above, the variant was classified as VUS-possibly pathogenic.

Eurofins Ntd Llc (ga)
Classification: Uncertain significance. Last evaluated: 2016-03-21. Review status: criteria provided, single submitter. Criteria: EGL Classification Definitions 2015. Collection method: clinical testing. Allele origin: germline. Observed: 2 variant alleles, 2 heterozygotes.

Kariminejad - Najmabadi Pathology & Genetics Center
Classification: Likely pathogenic for Autosomal recessive nonsyndromic hearing loss 77. Review status: criteria provided, single submitter. Criteria: ACMG Guidelines, 2015. Collection method: clinical testing. Allele origin: germline. Affected: no.

Counsyl
Classification: Uncertain significance for Autosomal recessive nonsyndromic hearing loss 77. Last evaluated: 2017-12-14. Review status: no assertion criteria provided. Collection method: clinical testing. Allele origin: unknown. Not counted in ClinVar's aggregate classification.

Literature cited by the submitters: PubMed 28000701 (cited by 4 submitters); PubMed 31547530 (cited by 3 submitters); PubMed 36568381 (cited by Natera, Inc.); PubMed 29676012 (cited by Women's Health and Genetics/Laboratory Corporation of America, LabCorp).